The following is an entry in ClinVar:

ClinVar aggregate classification (germline): Uncertain significance. Review status: criteria provided, multiple submitters, no conflicts (2 of 4 stars). 2 submissions from 2 submitters: Uncertain significance (2). Last evaluated 2022-06-14.

Conditions:
Dilated cardiomyopathy 1KK (CMD1KK). Identifiers: Orphanet 154, Orphanet 75249, MedGen C3714995, MONDO:0014100, OMIM 615248.
Cardiovascular phenotype. Identifiers: MedGen CN230736.

Allele frequency attached by ClinVar (database versions not stated): ExAC 0.00001; gnomAD 0.00001; ESP Exome Variant Server 0.00008.

Submissions (2):

Labcorp Genetics (formerly Invitae), Labcorp
Classification: Uncertain significance for Dilated cardiomyopathy 1KK. Last evaluated: 2022-06-14. Review status: criteria provided, single submitter. Criteria: Invitae Variant Classification Sherloc (09022015). Collection method: clinical testing. Allele origin: germline.
Comment: This sequence change falls in intron 10 of the MYPN gene. It does not directly change the encoded amino acid sequence of the MYPN protein. It affects a nucleotide within the consensus splice site. This variant is present in population databases (rs372624030, gnomAD 0.007%). This variant has not been reported in the literature in individuals affected with MYPN-related conditions. Variants that disrupt the consensus splice site are a relatively common cause of aberrant splicing (PMID: 17576681, 9536098). Algorithms developed to predict the effect of sequence changes on RNA splicing suggest that this variant is not likely to affect RNA splicing. In summary, the available evidence is currently insufficient to determine the role of this variant in disease. Therefore, it has been classified as a Variant of Uncertain Significance.

Ambry Genetics
Classification: Uncertain significance for Cardiovascular phenotype. Last evaluated: 2021-08-31. Review status: criteria provided, single submitter. Criteria: Ambry Variant Classification Scheme 2023. Collection method: clinical testing. Allele origin: germline.
Comment: The c.1974-3C>T intronic variant results from a C to T substitution 3 nucleotides upstream from coding exon 10 in the MYPN gene. This nucleotide position is well conserved in available vertebrate species. In silico splice site analysis predicts that this alteration will not have any significant effect on splicing. Since supporting evidence is limited at this time, the clinical significance of this alteration remains unclear.

Literature cited by the submitters: PubMed 17576681 (cited by Labcorp Genetics (formerly Invitae), Labcorp); PubMed 9536098 (cited by Labcorp Genetics (formerly Invitae), Labcorp).

NM_032578.4(MYPN):c.1974-3C>T

Gene: MYPN (myopalladin; plus strand). Cytogenetic location: 10q21.3.
Variant type: single nucleotide variant.
Coding change: c.1974-3C>T on transcript NM_032578.4 (MANE Select); 3 bases into the intron before coding-DNA position 1974, C replaced by T.
Molecular consequence: intron variant.
Genome position (GRCh38, 1-based): chr10:68,174,063, C>T. VCF-style: chr10-68174063-C-T. GRCh37 (hg19) VCF-style: chr10-69933820-C-T.
Other names: c.1974-3C>T (NM_001256267.2); c.1092-3C>T (NM_001256268.2).
Identifiers: ClinVar variation 1783668 (VCV001783668.4), dbSNP rs372624030, ClinGen allele CA5522710.